The following is an entry in ClinVar:

NM_001374736.1(DST):c.4958A>G (p.His1653Arg)

Gene: DST (dystonin; minus strand). Cytogenetic location: 6p12.1.
Variant type: single nucleotide variant.
Coding change: c.4958A>G on transcript NM_001374736.1 (MANE Select); coding-DNA position 4958, A replaced by G.
Protein change: p.His1653Arg; replaces histidine 1653 with arginine.
Molecular consequence: missense variant.
Genome position (GRCh38, 1-based): chr6:56,614,456, T>C on the plus strand (A>G on the coding strand, the complement: DST is on the minus strand). VCF-style: chr6-56614456-T-C. GRCh37 (hg19) VCF-style: chr6-56479254-T-C.
Other names: c.4859A>G, p.His1620Arg (NM_001144769.5); c.4445A>G, p.His1482Arg (NM_001144770.2); c.4958A>G, p.His1653Arg (NM_001374722.1); c.4325A>G, p.His1442Arg (NM_001374729.1, NM_001374730.1, NM_001386100.1 and 1 more transcripts); c.4985A>G, p.His1662Arg (NM_001374734.1); c.3347A>G, p.His1116Arg (NM_015548.5); short protein forms H1620R, H1662R, H1116R, H1653R, H1442R, H1482R.
Identifiers: ClinVar variation 1369887 (VCV001369887.8), dbSNP rs772558729, ClinGen allele CA3869845.

ClinVar aggregate classification (germline): Uncertain significance. Review status: criteria provided, multiple submitters, no conflicts (2 of 4 stars). 2 submissions from 2 submitters: Uncertain significance (2). Last evaluated 2025-12-19.

Conditions:
Inborn genetic diseases. Identifiers: MedGen C0950123, MeSH D030342.
Epidermolysis bullosa simplex 3, localized or generalized intermediate, with BP230 deficiency (EBS3). Also called: Epidermolysis bullosa simplex due to BP230 deficiency; Epidermolysis bullosa simplex, autosomal recessive 2. Identifiers: Orphanet 412181, MedGen C3809470, MONDO:0014180, OMIM 615425.
Hereditary sensory and autonomic neuropathy type 6. Also called: HSAN VI; Neuropathy, hereditary sensory and autonomic, type VI. Identifiers: Orphanet 314381, MedGen C3539003, MONDO:0013839, OMIM 614653.

Allele frequency attached by ClinVar (database versions not stated): gnomAD 0.00001 and 0.00002; TOPMed 0.00006.
gnomAD v4.1: 16 of 1,608,026 alleles (0.001%); highest among the groups gnomAD compares: Admixed American, 0.022%; no homozygotes.

Submissions (2):

Labcorp Genetics (formerly Invitae), Labcorp
Classification: Uncertain significance for Epidermolysis bullosa simplex 3, localized or generalized intermediate, with BP230 deficiency; Hereditary sensory and autonomic neuropathy type 6. Last evaluated: 2025-12-19. Review status: criteria provided, single submitter. Criteria: Invitae Variant Classification Sherloc (09022015). Collection method: clinical testing. Allele origin: germline.
Comment: The DST gene has multiple clinically relevant transcripts. This variant occurs in alternate transcript NM_015548.4, and corresponds to NM_001723.5:c.*1061A>G in the primary transcript. This sequence change replaces histidine, which is basic and polar, with arginine, which is basic and polar, at codon 1116 of the DST protein (p.His1116Arg). This variant is present in population databases (rs772558729, gnomAD 0.03%). This variant has not been reported in the literature in individuals affected with DST-related conditions. Experimental studies and prediction algorithms are not available or were not evaluated, and the functional significance of this variant is currently unknown. In summary, the available evidence is currently insufficient to determine the role of this variant in disease. Therefore, it has been classified as a Variant of Uncertain Significance.

Ambry Genetics
Classification: Uncertain significance for Inborn genetic diseases. Last evaluated: 2021-05-26. Review status: criteria provided, single submitter. Criteria: Ambry Variant Classification Scheme 2023. Collection method: clinical testing. Allele origin: germline.
Comment: The p.H1620R variant (also known as c.4859A>G), located in coding exon 36 of the DST gene, results from an A to G substitution at nucleotide position 4859. The histidine at codon 1620 is replaced by arginine, an amino acid with highly similar properties. This amino acid position is well conserved in available vertebrate species. In addition, this alteration is predicted to be tolerated by in silico analysis. Since supporting evidence is limited at this time, the clinical significance of this alteration remains unclear.